The following is an entry in ClinVar:

ClinVar aggregate classification (germline): Uncertain significance (1 of 4 stars; one submission).

Conditions:
Autoimmune lymphoproliferative syndrome type 2A (ALPS2A). Also called: AUTOIMMUNE LYMPHOPROLIFERATIVE SYNDROME, TYPE IIA; CASP10-Related Autoimmune Lymphoproliferative Syndrome; Autoimmune lymphoproliferative syndrome type 2. Identifiers: Orphanet 3261, MedGen C1858968, MONDO:0011383, OMIM 603909.

Submission:

Labcorp Genetics (formerly Invitae), Labcorp
Classification: Uncertain significance for Autoimmune lymphoproliferative syndrome type 2A. Last evaluated: 2022-08-23. Review status: criteria provided, single submitter. Criteria: Invitae Variant Classification Sherloc (09022015). Collection method: clinical testing. Allele origin: germline.
Comment: This sequence change replaces threonine, which is neutral and polar, with asparagine, which is neutral and polar, at codon 268 of the CASP10 protein (p.Thr268Asn). This variant is not present in population databases (gnomAD no frequency). This variant has not been reported in the literature in individuals affected with CASP10-related conditions. ClinVar contains an entry for this variant (Variation ID: 1477536). Algorithms developed to predict the effect of missense changes on protein structure and function (SIFT, PolyPhen-2, Align-GVGD) all suggest that this variant is likely to be tolerated. In summary, the available evidence is currently insufficient to determine the role of this variant in disease. Therefore, it has been classified as a Variant of Uncertain Significance.

NM_032977.4(CASP10):c.803C>A (p.Thr268Asn)

Gene: CASP10 (caspase 10; plus strand). Cytogenetic location: 2q33.1.
Variant type: single nucleotide variant.
Coding change: c.803C>A on transcript NM_032977.4 (MANE Select); coding-DNA position 803, C replaced by A.
Protein change: p.Thr268Asn; replaces threonine 268 with asparagine.
Molecular consequence: missense variant. On other transcripts: intron variant (4).
Genome position (GRCh38, 1-based): chr2:201,205,963, C>A. VCF-style: chr2-201205963-C-A. GRCh37 (hg19) VCF-style: chr2-202070686-C-A.
Other names: c.803C>A, p.Thr268Asn (NM_032974.5); c.685-2112C>A (NM_001206542.2, NM_001230.5); c.722-2112C>A (NM_032976.4); c.721+2197C>A (NM_001206524.2); short protein forms T268N.
Identifiers: ClinVar variation 1477536 (VCV001477536.6), dbSNP rs776737353, ClinGen allele CA350284433.
Genomic context (GRCh38, chr2:201,205,963, plus strand): 5'-CACCAAGCCTGGTCTCCAGGGGGATGCAAGGAGCATCTGCTAACACTCTAAACTCTGAAA[C>A]CAGCACAAAGGTCTGGATGGTTTCTTTTATTCCTTTTTTAATAAAAAAATTTTTTTTCCA-3'
Protein context (NP_116759.2, residues 258-278): GASANTLNSE[Thr268Asn]STKRAAVYRM